The following is an entry in ClinVar:

NM_000136.3(FANCC):c.275G>A (p.Trp92Ter)

Gene: FANCC (FA complementation group C; minus strand). Cytogenetic location: 9q22.32.
Variant type: single nucleotide variant.
Coding change: c.275G>A on transcript NM_000136.3 (MANE Select); coding-DNA position 275, G replaced by A.
Protein change: p.Trp92Ter; replaces tryptophan 92 with a stop codon.
Molecular consequence: nonsense.
Genome position (GRCh38, 1-based): chr9:95,240,719, C>T on the plus strand (G>A on the coding strand, the complement: FANCC is on the minus strand). VCF-style: chr9-95240719-C-T. GRCh37 (hg19) VCF-style: chr9-98003001-C-T.
Other names: c.275G>A, p.Trp92Ter (NM_001243743.2, NM_001243744.2); short protein forms W92*.
Identifiers: ClinVar variation 983718 (VCV000983718.4), dbSNP rs1830584796, ClinGen allele CA374339436.
Genomic context (GRCh38, chr9:95,240,719, plus strand): 5'-GAGTTAAGTTTTGATTGTCCAGAATTCTGTGGTTCTTTGTTAATTAGACAACATAAGCAC[C>T]ATATTAGAATTTTTTGGCTTTCATCTACAAAAAGGAAAACTTAATAAGTTTTATCAAGCA-3'

ClinVar aggregate classification (germline): Likely pathogenic. Review status: criteria provided, multiple submitters, no conflicts (2 of 4 stars). 2 submissions from 2 submitters: Likely pathogenic (2). Last evaluated 2022-06-07.

Conditions:
Fanconi anemia complementation group C (FANCC). Also called: Fanconi anemia, group C; FANCONI PANCYTOPENIA, TYPE 3; FACC; FANCC-Related Fanconi Anemia. Identifiers: Orphanet 84, MedGen C3468041, MONDO:0009213, OMIM 227645.

Submissions (2):

Baylor Genetics
Classification: Likely pathogenic for Fanconi anemia complementation group C. Last evaluated: 2022-06-07. Review status: criteria provided, single submitter. Criteria: ACMG Guidelines, 2015. Collection method: clinical testing. Allele origin: unknown.

Myriad Genetics, Inc.
Classification: Likely pathogenic for Fanconi anemia complementation group C. Last evaluated: 2019-04-29. Review status: criteria provided, single submitter. Criteria: Myriad Women's Health Autosomal Recessive and X-Linked Classification Criteria (2019). Collection method: clinical testing. Allele origin: unknown.
Comment: NM_000136.2(FANCC):c.275G>A(W92*) is expected to be pathogenic in the context of Fanconi anemia, FANCC-related. This variant is predicted to lead to an abnormal or absent protein product due to the creation of a premature termination codon in FANCC, a gene where loss-of-function variants are known to be pathogenic. Please note: this variant was assessed in the context of healthy population screening.